The following is an entry in ClinVar:

ClinVar aggregate classification (germline): Uncertain significance (1 of 4 stars; one submission).

Allele frequency attached by ClinVar (database versions not stated): gnomAD 0.00001; TOPMed 0.00001.
gnomAD v4.1: 2 of 1,613,870 alleles (0.00012%); highest among the groups gnomAD compares: African/African-American, 0.0027%; no homozygotes.

Submission:

GeneDx
Classification: Uncertain significance. Last evaluated: 2023-01-19. Review status: criteria provided, single submitter. Criteria: GeneDx Variant Classification Process June 2021. Collection method: clinical testing. Allele origin: germline. Affected: yes.
Comment: In silico analysis supports that this missense variant has a deleterious effect on protein structure/function; Has not been previously published as pathogenic or benign to our knowledge

NM_006158.5(NEFL):c.1240C>A (p.Gln414Lys)

Gene: NEFL (neurofilament light chain; minus strand). Cytogenetic location: 8p21.2.
Variant type: single nucleotide variant.
Coding change: c.1240C>A on transcript NM_006158.5 (MANE Select); coding-DNA position 1240, C replaced by A.
Protein change: p.Gln414Lys; replaces glutamine 414 with lysine.
Molecular consequence: missense variant.
Genome position (GRCh38, 1-based): chr8:24,953,725, G>T on the plus strand (C>A on the coding strand, the complement: NEFL is on the minus strand). VCF-style: chr8-24953725-G-T. GRCh37 (hg19) VCF-style: chr8-24811239-G-T.
Other names: short protein forms Q414K.
Identifiers: ClinVar variation 2573707 (VCV002573707.1), dbSNP rs1206026169, ClinGen allele CA370620454.